The following is an entry in ClinVar:

ClinVar aggregate classification (germline): Uncertain significance (1 of 4 stars; one submission).

Conditions:
Joubert syndrome 15 (JBTS15). Identifiers: Orphanet 475, MedGen C3280897, MONDO:0013763, OMIM 614464.

Allele frequency attached by ClinVar (database versions not stated): TOPMed below 0.00001.

Submission:

Labcorp Genetics (formerly Invitae), Labcorp
Classification: Uncertain significance for Joubert syndrome 15. Last evaluated: 2022-06-27. Review status: criteria provided, single submitter. Criteria: Invitae Variant Classification Sherloc (09022015). Collection method: clinical testing. Allele origin: germline.
Comment: This variant is not present in population databases (gnomAD no frequency). This sequence change replaces proline, which is neutral and non-polar, with serine, which is neutral and polar, at codon 167 of the CEP41 protein (p.Pro167Ser). This variant has not been reported in the literature in individuals affected with CEP41-related conditions. In summary, the available evidence is currently insufficient to determine the role of this variant in disease. Therefore, it has been classified as a Variant of Uncertain Significance. Algorithms developed to predict the effect of missense changes on protein structure and function (SIFT, PolyPhen-2, Align-GVGD) all suggest that this variant is likely to be disruptive.

NM_018718.3(CEP41):c.499C>T (p.Pro167Ser)

Gene: CEP41 (centrosomal protein 41; minus strand). Cytogenetic location: 7q32.2.
Variant type: single nucleotide variant.
Coding change: c.499C>T on transcript NM_018718.3 (MANE Select); coding-DNA position 499, C replaced by T.
Protein change: p.Pro167Ser; replaces proline 167 with serine.
Molecular consequence: missense variant. On other transcripts: non-coding transcript variant (1).
Genome position (GRCh38, 1-based): chr7:130,402,723, G>A on the plus strand (C>T on the coding strand, the complement: CEP41 is on the minus strand). VCF-style: chr7-130402723-G-A. GRCh37 (hg19) VCF-style: chr7-130042564-G-A.
Other names: c.499C>T, p.Pro167Ser (NM_001257158.2); c.451C>T, p.Pro151Ser (NM_001257159.2); short protein forms P151S, P167S.
Identifiers: ClinVar variation 1516904 (VCV001516904.8), dbSNP rs1796890244, ClinGen allele CA369288833.